The following is an entry in ClinVar:

ClinVar aggregate classification (germline): Uncertain significance (1 of 4 stars; one submission).

Conditions:
Episodic ataxia type 2 (EA2). Also called: ACETAZOLAMIDE-RESPONSIVE HEREDITARY PAROXYSMAL CEREBELLAR ATAXIA; ATAXIA, EPISODIC, WITH NYSTAGMUS; ATAXIA, FAMILIAL PAROXYSMAL; CEREBELLAR ATAXIA, PAROXYSMAL, ACETAZOLAMIDE-RESPONSIVE; CEREBELLOPATHY, HEREDITARY PAROXYSMAL; EPISODIC ATAXIA, NYSTAGMUS-ASSOCIATED. Identifiers: Orphanet 97, MedGen C1720416, MONDO:0007163, OMIM 108500.
Developmental and epileptic encephalopathy, 42 (DEE42A). Also called: Epileptic encephalopathy, early infantile, 42; DEVELOPMENTAL AND EPILEPTIC ENCEPHALOPATHY 42A; EPILEPTIC ENCEPHALOPATHY, EARLY INFANTILE, 42A. Identifiers: MedGen C4310716, MONDO:0014917, OMIM 617106.

Submission:

Labcorp Genetics (formerly Invitae), Labcorp
Classification: Uncertain significance for Developmental and epileptic encephalopathy, 42; Episodic ataxia type 2. Last evaluated: 2025-08-14. Review status: criteria provided, single submitter. Criteria: Invitae Variant Classification Sherloc (09022015). Collection method: clinical testing. Allele origin: germline.
Comment: This sequence change replaces proline, which is neutral and non-polar, with serine, which is neutral and polar, at codon 1126 of the CACNA1A protein (p.Pro1126Ser). This variant is not present in population databases (gnomAD no frequency). This variant has not been reported in the literature in individuals affected with CACNA1A-related conditions. Invitae Evidence Modeling of protein sequence and biophysical properties (such as structural, functional, and spatial information, amino acid conservation, physicochemical variation, residue mobility, and thermodynamic stability) indicates that this missense variant is not expected to disrupt CACNA1A protein function with a negative predictive value of 95%. In summary, the available evidence is currently insufficient to determine the role of this variant in disease. Therefore, it has been classified as a Variant of Uncertain Significance.

NM_001127222.2(CACNA1A):c.3373C>T (p.Pro1125Ser)

Gene: CACNA1A (calcium voltage-gated channel subunit alpha1 A; minus strand). Cytogenetic location: 19p13.13.
Variant type: single nucleotide variant.
Coding change: c.3373C>T on transcript NM_001127222.2 (MANE Select); coding-DNA position 3373, C replaced by T.
Protein change: p.Pro1125Ser; replaces proline 1125 with serine.
Molecular consequence: missense variant.
Genome position (GRCh38, 1-based): chr19:13,286,683, G>A on the plus strand (C>T on the coding strand, the complement: CACNA1A is on the minus strand). VCF-style: chr19-13286683-G-A. GRCh37 (hg19) VCF-style: chr19-13397497-G-A.
Other names: c.3385C>T, p.Pro1129Ser (NM_000068.4, NM_023035.3); c.3376C>T, p.Pro1126Ser (NM_001127221.2, NM_001174080.2); short protein forms P1129S, P1125S, P1126S.
Identifiers: ClinVar variation 4790778 (VCV004790778.1).